The following is an entry in ClinVar:

ClinVar aggregate classification (germline): Uncertain significance. Review status: criteria provided, multiple submitters, no conflicts (2 of 4 stars). 2 submissions from 2 submitters: Uncertain significance (2). Last evaluated 2025-05-21.

Conditions:
Hereditary cancer-predisposing syndrome. Also called: Hereditary Cancer Syndrome; Hereditary neoplastic syndrome; Neoplastic Syndromes, Hereditary; Tumor predisposition. Identifiers: Orphanet 140162, MedGen C0027672, MeSH D009386, MONDO:0015356.
Hereditary nonpolyposis colorectal neoplasms. Identifiers: MedGen C0009405, MeSH D003123.

Allele frequency attached by ClinVar (database versions not stated): gnomAD exomes below 0.00001; TOPMed below 0.00001.
gnomAD v4.1: 2 of 1,614,182 alleles (0.00012%); highest among the groups gnomAD compares: Non-Finnish European, 0.00017%; no homozygotes.

Submissions (2):

Ambry Genetics
Classification: Uncertain significance for Hereditary cancer-predisposing syndrome. Last evaluated: 2025-05-21. Review status: criteria provided, single submitter. Criteria: Ambry Variant Classification Scheme 2023. Collection method: clinical testing. Allele origin: germline.
Comment: The p.I622M variant (also known as c.1866A>G), located in coding exon 4 of the MSH6 gene, results from an A to G substitution at nucleotide position 1866. The isoleucine at codon 622 is replaced by methionine, an amino acid with highly similar properties. This amino acid position is not well conserved in available vertebrate species, and methionine is the reference amino acid in other vertebrate species. In addition, this alteration is predicted to be tolerated by in silico analysis. Since supporting evidence is limited at this time, the clinical significance of this alteration remains unclear.

Labcorp Genetics (formerly Invitae), Labcorp
Classification: Uncertain significance for Hereditary nonpolyposis colorectal neoplasms. Last evaluated: 2024-12-26. Review status: criteria provided, single submitter. Criteria: Invitae Variant Classification Sherloc (09022015). Collection method: clinical testing. Allele origin: germline.
Comment: This sequence change replaces isoleucine, which is neutral and non-polar, with methionine, which is neutral and non-polar, at codon 622 of the MSH6 protein (p.Ile622Met). This variant is not present in population databases (gnomAD no frequency). This variant has not been reported in the literature in individuals affected with MSH6-related conditions. ClinVar contains an entry for this variant (Variation ID: 455157). Invitae Evidence Modeling of protein sequence and biophysical properties (such as structural, functional, and spatial information, amino acid conservation, physicochemical variation, residue mobility, and thermodynamic stability) indicates that this missense variant is not expected to disrupt MSH6 protein function with a negative predictive value of 95%. In summary, the available evidence is currently insufficient to determine the role of this variant in disease. Therefore, it has been classified as a Variant of Uncertain Significance.

NM_000179.3(MSH6):c.1866A>G (p.Ile622Met)

Gene: MSH6 (mutS homolog 6; plus strand). Cytogenetic location: 2p16.3.
Variant type: single nucleotide variant.
Coding change: c.1866A>G on transcript NM_000179.3 (MANE Select); coding-DNA position 1866, A replaced by G.
Protein change: p.Ile622Met; replaces isoleucine 622 with methionine.
Molecular consequence: missense variant.
Genome position (GRCh38, 1-based): chr2:47,799,849, A>G. VCF-style: chr2-47799849-A-G. GRCh37 (hg19) VCF-style: chr2-48026988-A-G.
Other names: c.1476A>G, p.Ile492Met (NM_001281492.2); c.960A>G, p.Ile320Met (NM_001281493.2, NM_001281494.2); short protein forms I622M, I492M, I320M.
Identifiers: ClinVar variation 455157 (VCV000455157.15), dbSNP rs1042817, ClinGen allele CA346749857.